The following is an entry in ClinVar:

ClinVar aggregate classification (germline): Uncertain significance. Review status: criteria provided, multiple submitters, no conflicts (2 of 4 stars). 3 submissions from 3 submitters: Uncertain significance (3). Last evaluated 2025-09-01.

Conditions:
Inborn genetic diseases. Identifiers: MedGen C0950123, MeSH D030342.

Allele frequency attached by ClinVar (database versions not stated): gnomAD 0.00001; gnomAD exomes 0.00001; TOPMed 0.00001.
gnomAD v4.1: 10 of 1,612,606 alleles (0.00062%); highest among the groups gnomAD compares: Middle Eastern, 0.017%; no homozygotes.

Submissions (3):

Ambry Genetics
Classification: Uncertain significance for Inborn genetic diseases. Last evaluated: 2025-09-01. Review status: criteria provided, single submitter. Criteria: Ambry Variant Classification Scheme 2023. Collection method: clinical testing. Allele origin: germline.

Labcorp Genetics (formerly Invitae), Labcorp
Classification: Uncertain significance. Last evaluated: 2021-12-13. Review status: criteria provided, single submitter. Criteria: Invitae Variant Classification Sherloc (09022015). Collection method: clinical testing. Allele origin: germline.
Comment: In summary, the available evidence is currently insufficient to determine the role of this variant in disease. Therefore, it has been classified as a Variant of Uncertain Significance. This sequence change replaces alanine, which is neutral and non-polar, with threonine, which is neutral and polar, at codon 672 of the RBP3 protein (p.Ala672Thr). This variant is not present in population databases (gnomAD no frequency). This variant has not been reported in the literature in individuals affected with RBP3-related conditions. Algorithms developed to predict the effect of missense changes on protein structure and function output the following: SIFT: "Tolerated"; PolyPhen-2: "Possibly Damaging"; Align-GVGD: "Class C0". The threonine amino acid residue is found in multiple mammalian species, which suggests that this missense change does not adversely affect protein function.

Blueprint Genetics
Classification: Uncertain significance. Last evaluated: 2020-08-14. Review status: criteria provided, single submitter. Criteria: ACMG Guidelines, 2015. Collection method: clinical testing. Allele origin: germline.

NM_002900.3(RBP3):c.2014G>A (p.Ala672Thr)

Gene: RBP3 (retinol binding protein 3; plus strand). Cytogenetic location: 10q11.22.
Variant type: single nucleotide variant.
Coding change: c.2014G>A on transcript NM_002900.3 (MANE Select); coding-DNA position 2014, G replaced by A.
Protein change: p.Ala672Thr; replaces alanine 672 with threonine.
Molecular consequence: missense variant.
Genome position (GRCh38, 1-based): chr10:47,350,498, G>A. VCF-style: chr10-47350498-G-A. GRCh37 (hg19) VCF-style: chr10-48388864-C-T.
Other names: c.2014G>A (NM_002900.2); short protein forms A672T.
Identifiers: ClinVar variation 1959438 (VCV001959438.6), dbSNP rs1158993702, ClinGen allele CA376671915.